The following is an entry in ClinVar:

NM_004329.3(BMPR1A):c.957C>A (p.Asp319Glu)

Gene: BMPR1A (bone morphogenetic protein receptor type 1A; plus strand). Cytogenetic location: 10q23.2.
Variant type: single nucleotide variant.
Coding change: c.957C>A on transcript NM_004329.3 (MANE Select); coding-DNA position 957, C replaced by A.
Protein change: p.Asp319Glu; replaces aspartic acid 319 with glutamic acid.
Molecular consequence: missense variant.
Genome position (GRCh38, 1-based): chr10:86,919,260, C>A. VCF-style: chr10-86919260-C-A. GRCh37 (hg19) VCF-style: chr10-88679017-C-A.
Other names: short protein forms D319E.
Identifiers: ClinVar variation 1171530 (VCV001171530.2), dbSNP rs2133590573, ClinGen allele CA377460249.

ClinVar aggregate classification (germline): Uncertain significance (1 of 4 stars; one submission).

Conditions:
Hereditary cancer-predisposing syndrome. Also called: Tumor predisposition; Hereditary neoplastic syndrome; Hereditary Cancer Syndrome; Neoplastic Syndromes, Hereditary. Identifiers: Orphanet 140162, MedGen C0027672, MeSH D009386, MONDO:0015356.

gnomAD v4.1: 1 of 1,613,952 alleles (0.000062%); no homozygotes.

Submission:

Color Diagnostics, LLC DBA Color Health
Classification: Uncertain significance for Hereditary cancer-predisposing syndrome. Last evaluated: 2020-09-28. Review status: criteria provided, single submitter. Criteria: ACMG Guidelines, 2015. Collection method: clinical testing. Allele origin: germline.
Comment: This missense variant replaces aspartic acid with glutamic acid at codon 319 of the BMPR1A protein. Computational prediction suggests that this variant may have deleterious impact on protein structure and function (internally defined REVEL score threshold >= 0.7, PMID: 27666373). To our knowledge, functional studies have not been reported for this variant. This variant has not been reported in individuals affected with hereditary cancer in the literature. This variant has not been identified in the general population by the Genome Aggregation Database (gnomAD). The available evidence is insufficient to determine the role of this variant in disease conclusively. Therefore, this variant is classified as a Variant of Uncertain Significance.